The following is an entry in ClinVar:

ClinVar aggregate classification (germline): Uncertain significance (1 of 4 stars; one submission).

Conditions:
Inborn genetic diseases. Identifiers: MedGen C0950123, MeSH D030342.

gnomAD v4.1: 1 of 1,614,164 alleles (0.000062%); highest among the groups gnomAD compares: Non-Finnish European, 0.000085%; no homozygotes.

Submission:

Ambry Genetics
Classification: Uncertain significance for Inborn genetic diseases. Last evaluated: 2026-07-07. Review status: criteria provided, single submitter. Criteria: Ambry Variant Classification Scheme 2023. Collection method: clinical testing. Allele origin: germline.
Comment: The p.V237L variant (also known as c.709G>T), located in coding exon 5 of the ETV6 gene, results from a G to T substitution at nucleotide position 709. The valine at codon 237 is replaced by leucine, an amino acid with highly similar properties. This amino acid position is conserved. In addition, this alteration is predicted to be tolerated by in silico analysis. Based on the available evidence, the clinical significance of this variant remains unclear.

NM_001987.5(ETV6):c.709G>T (p.Val237Leu)

Gene: ETV6 (ETS variant transcription factor 6; plus strand). Cytogenetic location: 12p13.2.
Variant type: single nucleotide variant.
Coding change: c.709G>T on transcript NM_001987.5 (MANE Select); coding-DNA position 709, G replaced by T.
Protein change: p.Val237Leu; replaces valine 237 with leucine.
Molecular consequence: missense variant.
Genome position (GRCh38, 1-based): chr12:11,869,669, G>T. VCF-style: chr12-11869669-G-T. GRCh37 (hg19) VCF-style: chr12-12022603-G-T.
Other names: c.706G>T, p.Val236Leu (NM_001413913.1); c.682G>T, p.Val228Leu (NM_001413914.1); c.445G>T, p.Val149Leu (NM_001413915.1); c.709G>T, p.Val237Leu (NM_001413916.1, NM_001413917.1); short protein forms V236L, V237L, V228L, V149L.
Identifiers: ClinVar variation 5036190 (VCV005036190.1).